The following is an entry in ClinVar:

NM_007294.4(BRCA1):c.512T>C (p.Ile171Thr)

Gene: BRCA1 (BRCA1 DNA repair associated; minus strand). Cytogenetic location: 17q21.31.
Variant type: single nucleotide variant.
Coding change: c.512T>C on transcript NM_007294.4 (MANE Select); coding-DNA position 512, T replaced by C.
Protein change: p.Ile171Thr; replaces isoleucine 171 with threonine.
Molecular consequence: missense variant. On other transcripts: non-coding transcript variant (1).
Genome position (GRCh38, 1-based): chr17:43,099,810, A>G on the plus strand (T>C on the coding strand, the complement: BRCA1 is on the minus strand). VCF-style: chr17-43099810-A-G. GRCh37 (hg19) VCF-style: chr17-41251827-A-G.
Other names: c.368T>C, p.Ile123Thr (NM_001407931.1, NM_001407932.1, NM_001407934.1 and 35 more transcripts); c.371T>C, p.Ile124Thr (NM_001407933.1, NM_001407935.1, NM_001407942.1 and 61 more transcripts); c.512T>C, p.Ile171Thr (NM_001407937.1, NM_001407938.1, NM_001407939.1 and 97 more transcripts); c.509T>C, p.Ile170Thr (NM_001407940.1, NM_001407941.1, NM_001407972.1 and 65 more transcripts); c.302T>C, p.Ile101Thr (NM_001407946.1, NM_001407947.1, NM_001407948.1 and 37 more transcripts); c.299T>C, p.Ile100Thr (NM_001407954.1, NM_001407955.1, NM_001407956.1 and 18 more transcripts); c.131T>C, p.Ile44Thr (NM_001407959.1, NM_001407960.1, NM_001407963.1 and 3 more transcripts); c.128T>C, p.Ile43Thr (NM_001407962.1); and 4 more; short protein forms I171T, I124T, I101T, I126T, I144T, I168T, I100T, I170T.
Identifiers: ClinVar variation 825470 (VCV000825470.15), dbSNP rs1597887805, ClinGen allele CA10601120.

ClinVar aggregate classification (germline): Conflicting classifications of pathogenicity. Review status: criteria provided, conflicting classifications (1 of 4 stars). 2 submissions from 2 submitters: Uncertain significance (1); Likely benign (1). Last evaluated 2020-09-29.

Conditions:
Hereditary breast ovarian cancer syndrome. Also called: Hereditary breast and ovarian cancer syndrome; Hereditary breast and ovarian cancer; Hereditary breast and ovarian cancer syndrome (HBOC); Breast and ovarian cancer; Hereditary breast and/or ovarian cancer syndrome; BRCA1- and BRCA2-Associated Hereditary Breast and Ovarian Cancer. Identifiers: Orphanet 145, MedGen C0677776, MeSH D061325, MONDO:0003582. Disease mechanism: loss of function.
Hereditary cancer-predisposing syndrome. Also called: Neoplastic Syndromes, Hereditary; Tumor predisposition; Hereditary neoplastic syndrome; Hereditary Cancer Syndrome. Identifiers: Orphanet 140162, MedGen C0027672, MeSH D009386, MONDO:0015356.

Submissions (2):

Labcorp Genetics (formerly Invitae), Labcorp
Classification: Uncertain significance for Hereditary breast ovarian cancer syndrome. Last evaluated: 2020-09-29. Review status: criteria provided, single submitter. Criteria: Invitae Variant Classification Sherloc (09022015). Collection method: clinical testing. Allele origin: germline.
Comment: This sequence change replaces isoleucine with threonine at codon 171 of the BRCA1 protein (p.Ile171Thr). The isoleucine residue is weakly conserved and there is a moderate physicochemical difference between isoleucine and threonine. This variant is not present in population databases (ExAC no frequency). This variant has not been reported in the literature in individuals with BRCA1-related conditions. Algorithms developed to predict the effect of missense changes on protein structure and function output the following: SIFT: "Tolerated"; PolyPhen-2: "Benign"; Align-GVGD: "Class C0". The threonine amino acid residue is found in multiple mammalian species, suggesting that this missense change does not adversely affect protein function. These predictions have not been confirmed by published functional studies and their clinical significance is uncertain. In summary, the available evidence is currently insufficient to determine the role of this variant in disease. Therefore, it has been classified as a Variant of Uncertain Significance.

Ambry Genetics
Classification: Likely benign for Hereditary cancer-predisposing syndrome. Last evaluated: 2018-04-20. Review status: criteria provided, single submitter. Criteria: Ambry Variant Classification Scheme 2023. Collection method: clinical testing. Allele origin: germline.